The following is an entry in ClinVar:

NM_018297.4(NGLY1):c.467C>T (p.Ser156Leu)

Gene: NGLY1 (N-glycanase 1; minus strand). Cytogenetic location: 3p24.2.
Variant type: single nucleotide variant.
Coding change: c.467C>T on transcript NM_018297.4 (MANE Select); coding-DNA position 467, C replaced by T.
Protein change: p.Ser156Leu; replaces serine 156 with leucine.
Molecular consequence: missense variant.
Genome position (GRCh38, 1-based): chr3:25,764,091, G>A on the plus strand (C>T on the coding strand, the complement: NGLY1 is on the minus strand). VCF-style: chr3-25764091-G-A. GRCh37 (hg19) VCF-style: chr3-25805582-G-A.
Other names: c.467C>T, p.Ser156Leu (NM_001145293.2, NM_001145295.2); c.341C>T, p.Ser114Leu (NM_001145294.2); short protein forms S114L, S156L.
Identifiers: ClinVar variation 1985956 (VCV001985956.1), dbSNP rs144596564, ClinGen allele CA71669573.

ClinVar aggregate classification (germline): Uncertain significance (1 of 4 stars; one submission).

Conditions:
Congenital disorder of deglycosylation (CDDG). Identifiers: MedGen C3808991, MONDO:0031376.

Allele frequency attached by ClinVar (database versions not stated): gnomAD exomes below 0.00001; gnomAD 0.00001; TOPMed 0.00002; ESP Exome Variant Server 0.00008.
gnomAD v4.1: 7 of 1,614,030 alleles (0.00043%); highest among the groups gnomAD compares: African/African-American, 0.0053%; no homozygotes.

Submission:

Labcorp Genetics (formerly Invitae), Labcorp
Classification: Uncertain significance for Congenital disorder of deglycosylation. Last evaluated: 2022-05-21. Review status: criteria provided, single submitter. Criteria: Invitae Variant Classification Sherloc (09022015). Collection method: clinical testing. Allele origin: germline.
Comment: This sequence change replaces serine, which is neutral and polar, with leucine, which is neutral and non-polar, at codon 156 of the NGLY1 protein (p.Ser156Leu). This variant is present in population databases (rs144596564, gnomAD 0.004%). This variant has not been reported in the literature in individuals affected with NGLY1-related conditions. Algorithms developed to predict the effect of missense changes on protein structure and function output the following: SIFT: "Tolerated"; PolyPhen-2: "Benign"; Align-GVGD: "Class C0". The leucine amino acid residue is found in multiple mammalian species, which suggests that this missense change does not adversely affect protein function. In summary, the available evidence is currently insufficient to determine the role of this variant in disease. Therefore, it has been classified as a Variant of Uncertain Significance.